The following is an entry in ClinVar:

NM_001365088.1(SLC12A6):c.3193A>C (p.Met1065Leu)

Gene: SLC12A6 (solute carrier family 12 member 6; minus strand). Cytogenetic location: 15q14.
Variant type: single nucleotide variant.
Coding change: c.3193A>C on transcript NM_001365088.1 (MANE Select); coding-DNA position 3193, A replaced by C.
Protein change: p.Met1065Leu; replaces methionine 1065 with leucine.
Molecular consequence: missense variant.
Genome position (GRCh38, 1-based): chr15:34,236,049, T>G on the plus strand (A>C on the coding strand, the complement: SLC12A6 is on the minus strand). VCF-style: chr15-34236049-T-G. GRCh37 (hg19) VCF-style: chr15-34528250-T-G.
Other names: c.3016A>C, p.Met1006Leu (NM_001042494.2, NM_001042495.2); c.3166A>C, p.Met1056Leu (NM_001042496.2); c.3148A>C, p.Met1050Leu (NM_001042497.2); c.3040A>C, p.Met1014Leu (NM_005135.2); c.3193A>C, p.Met1065Leu (NM_133647.2); short protein forms M1050L, M1056L, M1006L, M1014L, M1065L.
Identifiers: ClinVar variation 1906316 (VCV001906316.4), dbSNP rs144367389, ClinGen allele CA7463907.

ClinVar aggregate classification (germline): Uncertain significance (1 of 4 stars; one submission).

Allele frequency attached by ClinVar (database versions not stated): ExAC 0.00003; ESP Exome Variant Server 0.00008.

Submission:

Labcorp Genetics (formerly Invitae), Labcorp
Classification: Uncertain significance. Last evaluated: 2024-02-23. Review status: criteria provided, single submitter. Criteria: Invitae Variant Classification Sherloc (09022015). Collection method: clinical testing. Allele origin: germline.
Comment: This sequence change replaces methionine, which is neutral and non-polar, with leucine, which is neutral and non-polar, at codon 1065 of the SLC12A6 protein (p.Met1065Leu). This variant is present in population databases (rs144367389, gnomAD 0.006%). This variant has not been reported in the literature in individuals affected with SLC12A6-related conditions. ClinVar contains an entry for this variant (Variation ID: 1906316). Advanced modeling of protein sequence and biophysical properties (such as structural, functional, and spatial information, amino acid conservation, physicochemical variation, residue mobility, and thermodynamic stability) performed at Invitae indicates that this missense variant is not expected to disrupt SLC12A6 protein function with a negative predictive value of 95%. In summary, the available evidence is currently insufficient to determine the role of this variant in disease. Therefore, it has been classified as a Variant of Uncertain Significance.